The following is an entry in ClinVar:

ClinVar aggregate classification (germline): Likely benign (0 of 4 stars; one submission).

Conditions:
BIRC6-related disorder. Also called: BIRC6-related condition.

Submission:

PreventionGenetics, part of Exact Sciences
Classification: Likely benign for BIRC6-related condition. Last evaluated: 2019-03-25. Review status: no assertion criteria provided. Collection method: clinical testing. Allele origin: germline.
Comment: This variant is classified as likely benign based on ACMG/AMP sequence variant interpretation guidelines (Richards et al. 2015 PMID: 25741868, with internal and published modifications).

NM_016252.4(BIRC6):c.8469-23TC[7]

Gene: BIRC6 (baculoviral IAP repeat containing 6; plus strand). Cytogenetic location: 2p22.3.
Variant type: Microsatellite.
Coding change: c.8469-23TC[7] on transcript NM_016252.4 (MANE Select); seven copies in a row of the 2-base unit TC starting at c.8469-23.
Molecular consequence: intron variant.
Genome position: GRCh38 VCF-style: chr2-32499523-GTCTC-G. GRCh37 (hg19) VCF-style: chr2-32724590-GTCTC-G.
Other names: c.8466-23TC[7] (NM_001378125.1).
Identifiers: ClinVar variation 3038415 (VCV003038415.2), dbSNP rs145668508, ClinGen allele CA1604354.